The following is an entry in ClinVar:

ClinVar aggregate classification (germline): Uncertain significance (1 of 4 stars; one submission).

Allele frequency attached by ClinVar (database versions not stated): gnomAD exomes below 0.00001.
gnomAD v4.1: 5 of 1,594,530 alleles (0.00031%); highest among the groups gnomAD compares: Non-Finnish European, 0.00043%; no homozygotes.

Submission:

Labcorp Genetics (formerly Invitae), Labcorp
Classification: Uncertain significance. Last evaluated: 2023-10-09. Review status: criteria provided, single submitter. Criteria: Invitae Variant Classification Sherloc (09022015). Collection method: clinical testing. Allele origin: germline.
Comment: This sequence change falls in intron 6 of the ATP6V1B1 gene. It does not directly change the encoded amino acid sequence of the ATP6V1B1 protein. This variant is present in population databases (no rsID available, gnomAD 0.007%). This variant has not been reported in the literature in individuals affected with ATP6V1B1-related conditions. Algorithms developed to predict the effect of sequence changes on RNA splicing suggest that this variant may create or strengthen a splice site. In summary, the available evidence is currently insufficient to determine the role of this variant in disease. Therefore, it has been classified as a Variant of Uncertain Significance.

NM_001692.4(ATP6V1B1):c.586-16A>G

Gene: ATP6V1B1 (ATPase H+ transporting V1 subunit B1; plus strand). Cytogenetic location: 2p13.3.
Variant type: single nucleotide variant.
Coding change: c.586-16A>G on transcript NM_001692.4 (MANE Select); 16 bases into the intron before coding-DNA position 586, A replaced by G.
Molecular consequence: intron variant.
Genome position (GRCh38, 1-based): chr2:70,960,905, A>G. VCF-style: chr2-70960905-A-G. GRCh37 (hg19) VCF-style: chr2-71188035-A-G.
Identifiers: ClinVar variation 2971910 (VCV002971910.3), dbSNP rs1553419934, ClinGen allele CA533234279.
Genomic context (GRCh38, chr2:70,960,905, plus strand): 5'-ATGAGCCAGTGGTGCTCAGTGGGACAGGGGTCAGCTCCGACTCTGACGTCCTCCTGCCCA[A>G]TCCACTCTGCCCTAGATTGCCGCTCAGATCTGCCGCCAGGCGGGGCTGGTGAAGAAGTCC-3'